The following is an entry in ClinVar:

NM_004329.3(BMPR1A):c.539G>T (p.Cys180Phe)

Gene: BMPR1A (bone morphogenetic protein receptor type 1A; plus strand). Cytogenetic location: 10q23.2.
Variant type: single nucleotide variant.
Coding change: c.539G>T on transcript NM_004329.3 (MANE Select); coding-DNA position 539, G replaced by T.
Protein change: p.Cys180Phe; replaces cysteine 180 with phenylalanine.
Molecular consequence: missense variant.
Genome position (GRCh38, 1-based): chr10:86,912,248, G>T. VCF-style: chr10-86912248-G-T. GRCh37 (hg19) VCF-style: chr10-88672005-G-T.
Other names: short protein forms C180F.
Identifiers: ClinVar variation 950530 (VCV000950530.11), dbSNP rs1843501084, ClinGen allele CA377454081.

ClinVar aggregate classification (germline): Uncertain significance. Review status: criteria provided, multiple submitters, no conflicts (2 of 4 stars). 2 submissions from 2 submitters: Uncertain significance (2). Last evaluated 2025-09-10.

Conditions:
Hereditary cancer-predisposing syndrome. Also called: Hereditary neoplastic syndrome; Tumor predisposition; Neoplastic Syndromes, Hereditary; Hereditary Cancer Syndrome. Identifiers: Orphanet 140162, MedGen C0027672, MeSH D009386, MONDO:0015356.
Juvenile polyposis syndrome (JPS). Identifiers: Orphanet 2929, MedGen C0345893, MONDO:0017380, OMIM 174900.

Submissions (2):

Ambry Genetics
Classification: Uncertain significance for Hereditary cancer-predisposing syndrome. Last evaluated: 2025-09-10. Review status: criteria provided, single submitter. Criteria: Ambry Variant Classification Scheme 2023. Collection method: clinical testing. Allele origin: germline.
Comment: The p.C180F variant (also known as c.539G>T), located in coding exon 6 of the BMPR1A gene, results from a G to T substitution at nucleotide position 539. The cysteine at codon 180 is replaced by phenylalanine, an amino acid with highly dissimilar properties. This amino acid position is conserved. In addition, the in silico prediction for this alteration is inconclusive. Based on the available evidence, the clinical significance of this variant remains unclear.

Labcorp Genetics (formerly Invitae), Labcorp
Classification: Uncertain significance for Juvenile polyposis syndrome. Last evaluated: 2022-08-09. Review status: criteria provided, single submitter. Criteria: Invitae Variant Classification Sherloc (09022015). Collection method: clinical testing. Allele origin: germline.
Comment: ClinVar contains an entry for this variant (Variation ID: 950530). This variant has not been reported in the literature in individuals affected with BMPR1A-related conditions. In summary, the available evidence is currently insufficient to determine the role of this variant in disease. Therefore, it has been classified as a Variant of Uncertain Significance. Advanced modeling of protein sequence and biophysical properties (such as structural, functional, and spatial information, amino acid conservation, physicochemical variation, residue mobility, and thermodynamic stability) performed at Invitae indicates that this missense variant is not expected to disrupt BMPR1A protein function. This variant is not present in population databases (gnomAD no frequency). This sequence change replaces cysteine, which is neutral and slightly polar, with phenylalanine, which is neutral and non-polar, at codon 180 of the BMPR1A protein (p.Cys180Phe).